The following is an entry in ClinVar:

NM_000018.4(ACADVL):c.272C>A (p.Pro91Gln)

Gene: ACADVL (acyl-CoA dehydrogenase very long chain; plus strand). Cytogenetic location: 17p13.1.
Variant type: single nucleotide variant.
Coding change: c.272C>A on transcript NM_000018.4 (MANE Select); coding-DNA position 272, C replaced by A.
Protein change: p.Pro91Gln; replaces proline 91 with glutamine.
Molecular consequence: missense variant.
Genome position (GRCh38, 1-based): chr17:7,220,671, C>A. VCF-style: chr17-7220671-C-A. GRCh37 (hg19) VCF-style: chr17-7123990-C-A.
Other names: c.206C>A, p.Pro69Gln (NM_001033859.3); c.341C>A, p.Pro114Gln (NM_001270447.2); c.44C>A, p.Pro15Gln (NM_001270448.2); short protein forms P91Q, P69Q, P114Q, P15Q.
Identifiers: ClinVar variation 932744 (VCV000932744.6), dbSNP rs2071160066, ClinGen allele CA397722469.

ClinVar aggregate classification (germline): Conflicting classifications of pathogenicity. Review status: criteria provided, conflicting classifications (1 of 4 stars). 3 submissions from 3 submitters: Likely pathogenic (1); Uncertain significance (2). Last evaluated 2024-07-26.

Conditions:
Very long chain acyl-CoA dehydrogenase deficiency (ACADVLD). Also called: Very Long-Chain Acyl-Coenzyme A Dehydrogenase Deficiency; VLCAD Deficiency. Identifiers: Orphanet 26793, MedGen C3887523, MONDO:0008723, OMIM 201475.

Submissions (3):

ARUP Laboratories, Molecular Genetics and Genomics, ARUP Laboratories
Classification: Uncertain significance for Very long chain acyl-CoA dehydrogenase deficiency. Last evaluated: 2024-07-26. Review status: criteria provided, single submitter. Criteria: ARUP Molecular Germline Variant Investigation Process 2024. Collection method: clinical testing. Allele origin: germline.
Comment: The ACADVL c.272C>A; p.Pro91Gln variant (rs2071160066, ClinVar Variation ID: 932744) is reported in the literature in one individual affected with hypoglycemia, though no other evidence of causality was presented (Diekman 2015). This variant is absent from the Genome Aggregation Database (v2.1.1), indicating it is not a common polymorphism. Computational analyses predict that this variant is deleterious (REVEL: 0.81). However, given the lack of clinical and functional data, the significance of this variant is uncertain at this time. References: Diekman EF et al. Fatty acid oxidation flux predicts the clinical severity of VLCAD deficiency. Genet Med. 2015 Dec;17(12):989-94. PMID: 25834949.

Labcorp Genetics (formerly Invitae), Labcorp
Classification: Likely pathogenic for Very long chain acyl-CoA dehydrogenase deficiency. Last evaluated: 2023-08-20. Review status: criteria provided, single submitter. Criteria: Invitae Variant Classification Sherloc (09022015). Collection method: clinical testing. Allele origin: germline.
Comment: In summary, the currently available evidence indicates that the variant is pathogenic, but additional data are needed to prove that conclusively. Therefore, this variant has been classified as Likely Pathogenic. Advanced modeling of protein sequence and biophysical properties (such as structural, functional, and spatial information, amino acid conservation, physicochemical variation, residue mobility, and thermodynamic stability) performed at Invitae indicates that this missense variant is expected to disrupt ACADVL protein function. ClinVar contains an entry for this variant (Variation ID: 932744). This missense change has been observed in individual(s) with very long-chain acyl-CoA dehydrogenase deficiency (PMID: 25834949). This variant is not present in population databases (gnomAD no frequency). This sequence change replaces proline, which is neutral and non-polar, with glutamine, which is neutral and polar, at codon 91 of the ACADVL protein (p.Pro91Gln).

Wong Mito Lab, Molecular and Human Genetics, Baylor College of Medicine
Classification: Uncertain significance for Very long chain acyl-CoA dehydrogenase deficiency. Last evaluated: 2019-11-01. Review status: criteria provided, single submitter. Criteria: ACMG Guidelines, 2015. Collection method: clinical testing. Allele origin: germline.
Comment: The NM_000018.3:c.272C>A (NP_000009.1:p.Pro91Gln) [GRCH38: NC_000017.11:g.7220671C>A] variant in ACADVL gene is interpretated to be Uncertain Significance based on ACMG guidelines (PMID: 25741868). This variant has been reported. This variant meets the following evidence codes reported in the ACMG guidelines: PP3

Literature cited by the submitters: PubMed 25834949 (cited by Labcorp Genetics (formerly Invitae), Labcorp).